The following is an entry in ClinVar:

NM_001252024.2(TRPM1):c.83+1G>A

Gene: TRPM1 (transient receptor potential cation channel subfamily M member 1; minus strand). Cytogenetic location: 15q13.3.
Variant type: single nucleotide variant.
Coding change: c.83+1G>A on transcript NM_001252024.2 (MANE Select); the canonical splice donor site of the intron after coding-DNA position 83, G replaced by A.
Molecular consequence: splice donor variant.
Genome position (GRCh38, 1-based): chr15:31,076,904, C>T on the plus strand (G>A on the coding strand, the complement: TRPM1 is on the minus strand). VCF-style: chr15-31076904-C-T. GRCh37 (hg19) VCF-style: chr15-31369107-C-T.
Other names: c.134+1G>A (NM_001252020.2); c.17+1G>A (NM_002420.6, NM_001252030.2).
Identifiers: ClinVar variation 2115434 (VCV002115434.6), dbSNP rs747553429, ClinGen allele CA7453123.

ClinVar aggregate classification (germline): Likely pathogenic. Review status: criteria provided, multiple submitters, no conflicts (2 of 4 stars). 3 submissions from 3 submitters: Likely pathogenic (3). Last evaluated 2024-08-30.

Conditions:
TRPM1-related disorder. Also called: TRPM1-related condition.
Congenital stationary night blindness 1C. Also called: Night blindness, congenital stationary (complete), 1C, autosomal recessive. Identifiers: Orphanet 215, MedGen C2750747, MONDO:0013183, OMIM 613216.

Allele frequency attached by ClinVar (database versions not stated): gnomAD exomes below 0.00001; ExAC 0.00001.
gnomAD v4.1: 2 of 1,595,014 alleles (0.00013%); highest among the groups gnomAD compares: Admixed American, 0.0033%; no homozygotes.

Submissions (3):

Revvity Omics, Revvity
Classification: Likely pathogenic for Congenital stationary night blindness 1C. Last evaluated: 2024-08-30. Review status: criteria provided, single submitter. Criteria: ACMG Guidelines, 2015. Collection method: clinical testing. Allele origin: germline.

Labcorp Genetics (formerly Invitae), Labcorp
Classification: Likely pathogenic. Last evaluated: 2022-07-30. Review status: criteria provided, single submitter. Criteria: Invitae Variant Classification Sherloc (09022015). Collection method: clinical testing. Allele origin: germline.
Comment: In summary, the currently available evidence indicates that the variant is pathogenic, but additional data are needed to prove that conclusively. Therefore, this variant has been classified as Likely Pathogenic. Algorithms developed to predict the effect of sequence changes on RNA splicing suggest that this variant may disrupt the consensus splice site. This variant has not been reported in the literature in individuals affected with TRPM1-related conditions. This variant is present in population databases (rs747553429, gnomAD no frequency). This sequence change affects a donor splice site in intron 2 of the TRPM1 gene. It is expected to disrupt RNA splicing. Variants that disrupt the donor or acceptor splice site typically lead to a loss of protein function (PMID: 16199547), and loss-of-function variants in TRPM1 are known to be pathogenic (PMID: 19896113, 19966281, 20300565).

Blueprint Genetics
Classification: Likely pathogenic for TRPM1-related disorders. Last evaluated: 2020-12-11. Review status: criteria provided, single submitter. Criteria: ACMG Guidelines, 2015. Collection method: clinical testing. Allele origin: germline. Affected: yes. Observed: 1 variant allele.

Literature cited by the submitters: PubMed 16199547 (cited by Labcorp Genetics (formerly Invitae), Labcorp); PubMed 19896113 (cited by Labcorp Genetics (formerly Invitae), Labcorp); PubMed 19966281 (cited by Labcorp Genetics (formerly Invitae), Labcorp); PubMed 20300565 (cited by Labcorp Genetics (formerly Invitae), Labcorp).